The following is an entry in ClinVar:

ClinVar aggregate classification (germline): Benign/Likely benign. Review status: criteria provided, multiple submitters, no conflicts (2 of 4 stars). 5 submissions from 5 submitters: Benign (2); Likely benign (2). 1 of the submissions does not count toward it. Last evaluated 2026-04-15.

Conditions:
COX20-related disorder. Also called: COX20-related condition.

Allele frequency attached by ClinVar (database versions not stated): 1000 Genomes Project 0.00040; TOPMed 0.00046; 1000 Genomes Project 30x 0.00047; gnomAD 0.00052; ESP Exome Variant Server 0.00092.
gnomAD v4.1: 923 of 1,611,002 alleles (0.057%); highest among the groups gnomAD compares: Middle Eastern, 0.091%; no homozygotes.

Submissions (5):

PreventionGenetics, part of Exact Sciences
Classification: Likely benign for COX20-related condition. Last evaluated: 2026-04-15. Review status: criteria provided, single submitter. Criteria: ACMG Guidelines, 2015. Collection method: clinical testing. Allele origin: germline.
Comment: This variant is classified as likely benign based on ACMG/AMP sequence variant interpretation guidelines (Richards et al. 2015 PMID: 25741868, with internal and published modifications).

Labcorp Genetics (formerly Invitae), Labcorp
Classification: Benign. Last evaluated: 2026-02-01. Review status: criteria provided, single submitter. Criteria: Invitae Variant Classification Sherloc (09022015). Collection method: clinical testing. Allele origin: germline.

Blueprint Genetics
Classification: Likely benign. Last evaluated: 2024-10-31. Review status: criteria provided, single submitter. Criteria: ACMG Guidelines, 2015. Collection method: clinical testing. Allele origin: germline.

GeneDx
Classification: Benign. Last evaluated: 2015-06-19. Review status: criteria provided, single submitter. Criteria: GeneDx Variant Classification (06012015). Collection method: clinical testing. Allele origin: germline. Affected: yes.
Comment: This variant is considered likely benign or benign based on one or more of the following criteria: it is a conservative change, it occurs at a poorly conserved position in the protein, it is predicted to be benign by multiple in silico algorithms, and/or has population frequency not consistent with disease.

Mayo Clinic Laboratories, Mayo Clinic
Classification: Likely benign. Last evaluated: 2016-02-22. Review status: no assertion criteria provided. Collection method: clinical testing. Allele origin: unknown. Not counted in ClinVar's aggregate classification.

NM_198076.6(COX20):c.87C>T (p.Cys29=)

Gene: COX20 (cytochrome c oxidase assembly factor COX20; plus strand). Cytogenetic location: 1q44.
Variant type: single nucleotide variant.
Coding change: c.87C>T on transcript NM_198076.6 (MANE Select); coding-DNA position 87, C replaced by T.
Protein change: p.Cys29=; no amino-acid change (cysteine 29 retained).
Molecular consequence: synonymous variant. On other transcripts: non-coding transcript variant (1), intron variant (1).
Genome position (GRCh38, 1-based): chr1:244,841,988, C>T. VCF-style: chr1-244841988-C-T. GRCh37 (hg19) VCF-style: chr1-245005290-C-T.
Other names: c.87C>T, p.Cys29= (NM_001312871.1, NM_001312874.1); c.123C>T, p.Cys41= (NM_001312872.1); c.23-207C>T (NM_001312873.1); c.87C>T (NM_198076.5).
Identifiers: ClinVar variation 377749 (VCV000377749.14), dbSNP rs140032239, ClinGen allele CA1486085.
Genomic context (GRCh38, chr1:244,841,988, plus strand): 5'-TTTTTTTTCATTCTAGTCCCTTAAGCTCCTAGGATTTTTAGATGTTGAAAATACTCCCTG[C>T]GCCCGGCATTCAATATTGTATGGTTCATTAGGATCTGTTGTGGCTGGCTTTGGACATTTT-3'
Protein context (NP_932342.1, residues 19-39): LGFLDVENTP[Cys29=]ARHSILYGSL